The following is an entry in ClinVar:

ClinVar aggregate classification (germline): Likely pathogenic (1 of 4 stars; one submission).

Conditions:
KMT2E-related disorder. Also called: KMT2E-related condition.

Submission:

PreventionGenetics, part of Exact Sciences
Classification: Likely pathogenic for KMT2E-related condition. Last evaluated: 2026-07-09. Review status: criteria provided, single submitter. Criteria: ACMG Guidelines, 2015. Collection method: clinical testing. Allele origin: germline.
Comment: The KMT2E c.3854C>A variant is predicted to result in premature protein termination (p.Ser1285*). To our knowledge, this variant has not been reported in the literature or in a large population database (gnomAD), indicating this variant is rare. Nonsense variants in KMT2E are expected to be pathogenic. This variant is interpreted as likely pathogenic.

NM_182931.3(KMT2E):c.3854C>A (p.Ser1285Ter)

Gene: KMT2E (lysine methyltransferase 2E (inactive); plus strand). Cytogenetic location: 7q22.3.
Variant type: single nucleotide variant.
Coding change: c.3854C>A on transcript NM_182931.3 (MANE Select); coding-DNA position 3854, C replaced by A.
Protein change: p.Ser1285Ter; replaces serine 1285 with a stop codon.
Molecular consequence: nonsense. On other transcripts: intron variant (1).
Genome position (GRCh38, 1-based): chr7:105,110,486, C>A. VCF-style: chr7-105110486-C-A. GRCh37 (hg19) VCF-style: chr7-104750933-C-A.
Other names: c.3854C>A, p.Ser1285Ter (NM_018682.4); c.3844+118C>A (NM_001410908.1); short protein forms S1285*.
Identifiers: ClinVar variation 4992713 (VCV004992713.1).